The following is an entry in ClinVar:

NM_018975.4(TERF2IP):c.960G>T (p.Gln320His)

Gene: TERF2IP (TERF2 interacting protein; plus strand). Cytogenetic location: 16q23.1.
Variant type: single nucleotide variant.
Coding change: c.960G>T on transcript NM_018975.4 (MANE Select); coding-DNA position 960, G replaced by T.
Protein change: p.Gln320His; replaces glutamine 320 with histidine.
Molecular consequence: missense variant. On other transcripts: non-coding transcript variant (1).
Genome position (GRCh38, 1-based): chr16:75,656,371, G>T. VCF-style: chr16-75656371-G-T. GRCh37 (hg19) VCF-style: chr16-75690269-G-T.
Other names: short protein forms Q320H.
Identifiers: ClinVar variation 3455085 (VCV003455085.1).

ClinVar aggregate classification (germline): Uncertain significance (1 of 4 stars; one submission).

Submission:

Ambry Genetics
Classification: Uncertain significance. Last evaluated: 2024-08-21. Review status: criteria provided, single submitter. Criteria: Ambry Variant Classification Scheme 2023. Collection method: clinical testing. Allele origin: germline.
Comment: The p.Q320H variant (also known as c.960G>T), located in coding exon 3 of the TERF2IP gene, results from a G to T substitution at nucleotide position 960. The glutamine at codon 320 is replaced by histidine, an amino acid with highly similar properties. This amino acid position is conserved. In addition, this alteration is predicted to be tolerated by in silico analysis. Based on the available evidence, the clinical significance of this variant remains unclear.